The following is an entry in ClinVar:

NM_003238.6(TGFB2):c.127C>T (p.Gln43Ter)

Gene: TGFB2 (transforming growth factor beta 2; plus strand). Cytogenetic location: 1q41.
Variant type: single nucleotide variant.
Coding change: c.127C>T on transcript NM_003238.6 (MANE Select); coding-DNA position 127, C replaced by T.
Protein change: p.Gln43Ter; replaces glutamine 43 with a stop codon.
Molecular consequence: nonsense. On other transcripts: non-coding transcript variant (2).
Genome position (GRCh38, 1-based): chr1:218,346,828, C>T. VCF-style: chr1-218346828-C-T. GRCh37 (hg19) VCF-style: chr1-218520170-C-T.
Other names: c.127C>T, p.Gln43Ter (NM_001135599.4); short protein forms Q43*.
Identifiers: ClinVar variation 1804997 (VCV001804997.1), dbSNP rs2464549208, ClinGen allele CA344725346.
Genomic context (GRCh38, chr1:218,346,828, plus strand): 5'-ACCTGCAGCACACTCGATATGGACCAGTTCATGCGCAAGAGGATCGAGGCGATCCGCGGG[C>T]AGATCCTGAGCAAGCTGAAGCTCACCAGTCCCCCAGAAGACTATCCTGAGCCCGAGGAAG-3'

ClinVar aggregate classification (germline): Pathogenic (1 of 4 stars; one submission).

Conditions:
Loeys-Dietz syndrome 4 (LDS4). Also called: ANEURYSM, AORTIC AND CEREBRAL, WITH ARTERIAL TORTUOSITY AND SKELETAL MANIFESTATIONS; TGFB2-Related Loeys-Dietz Syndrome. Identifiers: MedGen C3553762, MONDO:0013897, OMIM 614816.

Submission:

Victorian Clinical Genetics Services, Murdoch Childrens Research Institute
Classification: Pathogenic for Loeys-Dietz syndrome 4. Last evaluated: 2021-05-06. Review status: criteria provided, single submitter. Criteria: ACMG Guidelines, 2015. Collection method: clinical testing. Allele origin: germline. Inheritance: Autosomal dominant inheritance. Affected: yes.
Comment: Based on the classification scheme VCGS_Germline_v1.3.4, this variant is classified as Pathogenic. Following criteria are met: 0102 - Loss of function is a known mechanism of disease in this gene and is associated with Loeys-Dietz syndrome (MIM#614816). (I) 0107 - This gene is associated with autosomal dominant disease. (I) 0201 - Variant is predicted to cause nonsense-mediated decay (NMD) and loss of protein (premature termination codon is located at least 54 nucleotides upstream of the final exon-exon junction). (SP) 0251 - This variant is heterozygous. (I) 0301 - Variant is absent from gnomAD (both v2 and v3). (SP) 0701 - Other NMD-predicted variants comparable to the one identified in this case have very strong previous evidence for pathogenicity. NMD-predicted variants are well-established as pathogenic in this gene (ClinVar, PMID: 29392890). (SP) 0807 - This variant has no previous evidence of pathogenicity. (I) 0905 - No published segregation evidence has been identified for this variant. (I) 1007 - No published functional evidence has been identified for this variant. (I) 1208 - Inheritance information for this variant is not currently available in this individual. (I) Legend: (SP) - Supporting pathogenic, (I) - Information, (SB) - Supporting benign

Literature cited by the submitters: PubMed 29392890.